The following is an entry in ClinVar:

ClinVar aggregate classification (germline): Uncertain significance (1 of 4 stars; one submission).

Conditions:
Neuropathy, hereditary sensory and autonomic, type 2A (HSAN2A). Also called: ACROOSTEOLYSIS, GIACCAI TYPE; ACROOSTEOLYSIS, NEUROGENIC; MORVAN DISEASE; NEUROPATHY, CONGENITAL SENSORY; NEUROPATHY, HEREDITARY SENSORY RADICULAR, AUTOSOMAL RECESSIVE; NEUROPATHY, HEREDITARY SENSORY, TYPE IIA. Identifiers: Orphanet 970, MedGen C2752089, MONDO:0024309, OMIM 201300.
Pseudohypoaldosteronism type 2C (PHA2C). Also called: Pseudohypoaldosteronism Type IIC. Identifiers: Orphanet 757, Orphanet 88940, MedGen C1840391, MONDO:0013778, OMIM 614492.

Allele frequency attached by ClinVar (database versions not stated): gnomAD exomes below 0.00001; ExAC 0.00002.
gnomAD v4.1: 1 of 1,613,954 alleles (0.000062%); highest among the groups gnomAD compares: Non-Finnish European, 0.000085%; no homozygotes.

Submission:

Labcorp Genetics (formerly Invitae), Labcorp
Classification: Uncertain significance for Neuropathy, hereditary sensory and autonomic, type 2A; Pseudohypoaldosteronism type 2C. Last evaluated: 2022-09-20. Review status: criteria provided, single submitter. Criteria: Invitae Variant Classification Sherloc (09022015). Collection method: clinical testing. Allele origin: germline.
Comment: In summary, the available evidence is currently insufficient to determine the role of this variant in disease. Therefore, it has been classified as a Variant of Uncertain Significance. Advanced modeling of protein sequence and biophysical properties (such as structural, functional, and spatial information, amino acid conservation, physicochemical variation, residue mobility, and thermodynamic stability) performed at Invitae indicates that this missense variant is not expected to disrupt WNK1 protein function. This variant has not been reported in the literature in individuals affected with WNK1-related conditions. This variant is present in population databases (rs763115863, gnomAD 0.0009%). This sequence change replaces histidine, which is basic and polar, with glutamine, which is neutral and polar, at codon 995 of the WNK1 protein (p.His995Gln).

NM_213655.5(WNK1):c.2985C>A (p.His995Gln)

Gene: WNK1 (WNK lysine deficient protein kinase 1; plus strand). Cytogenetic location: 12p13.33.
Variant type: single nucleotide variant.
Coding change: c.2985C>A on transcript NM_213655.5 (MANE Plus Clinical); coding-DNA position 2985, C replaced by A.
Protein change: p.His995Gln; replaces histidine 995 with glutamine.
Molecular consequence: missense variant. On other transcripts: intron variant (2).
Genome position (GRCh38, 1-based): chr12:868,456, C>A. VCF-style: chr12-868456-C-A. GRCh37 (hg19) VCF-style: chr12-977622-C-A.
Other names: c.2730C>A, p.His910Gln (NM_001184985.2); c.2140-2809C>A (NM_018979.4, NM_014823.3); short protein forms H995Q, H910Q.
Identifiers: ClinVar variation 2141041 (VCV002141041.4), dbSNP rs763115863, ClinGen allele CA6382275.